The following is an entry in ClinVar:

ClinVar aggregate classification (germline): Uncertain significance (1 of 4 stars; one submission).

Conditions:
Hereditary cancer-predisposing syndrome. Also called: Neoplastic Syndromes, Hereditary; Tumor predisposition; Hereditary Cancer Syndrome; Hereditary neoplastic syndrome. Identifiers: Orphanet 140162, MedGen C0027672, MeSH D009386, MONDO:0015356.

Submission:

Ambry Genetics
Classification: Uncertain significance for Hereditary cancer-predisposing syndrome. Last evaluated: 2024-09-01. Review status: criteria provided, single submitter. Criteria: Ambry Variant Classification Scheme 2023. Collection method: clinical testing. Allele origin: germline.
Comment: The p.P1409S variant (also known as c.4225C>T), located in coding exon 15 of the APC gene, results from a C to T substitution at nucleotide position 4225. The proline at codon 1409 is replaced by serine, an amino acid with similar properties. This amino acid position is conserved. In addition, in silico predictors for this gene do not accurately predict pathogenicity. Based on the available evidence, the clinical significance of this variant remains unclear.

NM_000038.6(APC):c.4225C>T (p.Pro1409Ser)

Gene: APC (APC regulator of Wnt signaling pathway; plus strand). Cytogenetic location: 5q22.2.
Variant type: single nucleotide variant.
Coding change: c.4225C>T on transcript NM_000038.6 (MANE Select); coding-DNA position 4225, C replaced by T.
Protein change: p.Pro1409Ser; replaces proline 1409 with serine.
Molecular consequence: missense variant. On other transcripts: non-coding transcript variant (2).
Genome position (GRCh38, 1-based): chr5:112,839,819, C>T. VCF-style: chr5-112839819-C-T. GRCh37 (hg19) VCF-style: chr5-112175516-C-T.
Other names: c.4225C>T, p.Pro1409Ser (NM_001127510.3, NM_001354895.2, NM_001407450.1); c.4171C>T, p.Pro1391Ser (NM_001127511.3); c.4279C>T, p.Pro1427Ser (NM_001354896.2, NM_001407447.1, NM_001407448.1 and 1 more transcripts); c.4255C>T, p.Pro1419Ser (NM_001354897.2); c.4150C>T, p.Pro1384Ser (NM_001354898.2); c.4141C>T, p.Pro1381Ser (NM_001354899.2); c.4102C>T, p.Pro1368Ser (NM_001354900.2); c.4048C>T, p.Pro1350Ser (NM_001354901.2, NM_001407453.1); and 11 more; short protein forms P1368S, P1391S, P1402S, P1409S, P1427S, P1326S, P1384S, P1419S.
Identifiers: ClinVar variation 3407311 (VCV003407311.1).